The following is an entry in ClinVar:

ClinVar aggregate classification (germline): Uncertain significance (1 of 4 stars; one submission).

Allele frequency attached by ClinVar (database versions not stated): gnomAD exomes below 0.00001; gnomAD 0.00001; TOPMed 0.00001.
gnomAD v4.1: 3 of 1,587,840 alleles (0.00019%); highest among the groups gnomAD compares: African/African-American, 0.0027%; no homozygotes.

Submission:

Labcorp Genetics (formerly Invitae), Labcorp
Classification: Uncertain significance. Last evaluated: 2023-02-18. Review status: criteria provided, single submitter. Criteria: Invitae Variant Classification Sherloc (09022015). Collection method: clinical testing. Allele origin: germline.
Comment: In summary, the available evidence is currently insufficient to determine the role of this variant in disease. Therefore, it has been classified as a Variant of Uncertain Significance. Advanced modeling of protein sequence and biophysical properties (such as structural, functional, and spatial information, amino acid conservation, physicochemical variation, residue mobility, and thermodynamic stability) performed at Invitae indicates that this missense variant is not expected to disrupt CEP78 protein function. This variant has not been reported in the literature in individuals affected with CEP78-related conditions. This variant is not present in population databases (gnomAD no frequency). This sequence change replaces isoleucine, which is neutral and non-polar, with valine, which is neutral and non-polar, at codon 118 of the CEP78 protein (p.Ile118Val).

NM_001330691.3(CEP78):c.352A>G (p.Ile118Val)

Gene: CEP78 (centrosomal protein 78; plus strand). Cytogenetic location: 9q21.2.
Variant type: single nucleotide variant.
Coding change: c.352A>G on transcript NM_001330691.3 (MANE Select); coding-DNA position 352, A replaced by G.
Protein change: p.Ile118Val; replaces isoleucine 118 with valine.
Molecular consequence: missense variant.
Genome position (GRCh38, 1-based): chr9:78,240,121, A>G. VCF-style: chr9-78240121-A-G. GRCh37 (hg19) VCF-style: chr9-80855037-A-G.
Other names: c.352A>G, p.Ile118Val (NM_001098802.3, NM_001330693.3, NM_001330694.2 and 4 more transcripts); short protein forms I118V.
Identifiers: ClinVar variation 1930449 (VCV001930449.5), dbSNP rs1339284776, ClinGen allele CA373999804.